The following is an entry in ClinVar:

NM_000059.4(BRCA2):c.4423del (p.Met1475fs)

Gene: BRCA2 (BRCA2 DNA repair associated; plus strand). Cytogenetic location: 13q13.1.
Variant type: Deletion.
Coding change: c.4423del on transcript NM_000059.4 (MANE Select); coding-DNA position 4423, one base deleted (A; older notation c.4423delA).
Protein change: p.Met1475fs; shifts the reading frame from methionine 1475.
Molecular consequence: frameshift variant.
Genome position (GRCh38, 1-based): chr13:32,338,778, A deleted; the last of 4 consecutive A bases (chr13:32,338,775-32,338,778); deleting any one gives the same sequence. VCF-style (leftmost placement, unchanged base first): chr13-32338774-CA-C. GRCh37 (hg19) VCF-style: chr13-32912911-CA-C.
Other names: 4651delA; c.4423delA (NM_000059.3); c.4423del (NM_000059.3); short protein forms M1475fs.
Identifiers: ClinVar variation 51646 (VCV000051646.11), dbSNP rs80359447, ClinGen allele CA020171.
Genomic context (GRCh38, chr13:32,338,774, plus strand): 5'-ACCAGAAGAATTGCATAACTTTTCCTTAAATTCTGAATTACATTCTGACATAAGAAAGAA[CA>C]AAATGGACATTCTAAGTTATGAGGAAACAGACATAGTTAAACACAAAATACTGAAAGAAA-3'

ClinVar aggregate classification (germline): Pathogenic. Review status: reviewed by expert panel (3 of 4 stars). 7 submissions from 7 submitters: Pathogenic (1). 6 of the submissions do not count toward it. Last evaluated 2016-09-08.

Conditions:
BRCA2-related disorder. Also called: BRCA2-related condition; BRCA2-related disorders. Identifiers: MedGen CN239275.
Hereditary breast ovarian cancer syndrome. Also called: Hereditary breast and ovarian cancer syndrome; Hereditary breast and ovarian cancer; Hereditary breast and ovarian cancer syndrome (HBOC); Breast and ovarian cancer; Hereditary breast and/or ovarian cancer syndrome; BRCA1- and BRCA2-Associated Hereditary Breast and Ovarian Cancer. Identifiers: Orphanet 145, MedGen C0677776, MeSH D061325, MONDO:0003582. Disease mechanism: loss of function.
Breast-ovarian cancer, familial, susceptibility to, 2 (BROVCA2). Also called: BRCA2 Hereditary Breast and Ovarian Cancer. Identifiers: Orphanet 145, MedGen C2675520, MONDO:0012933, OMIM 612555. Disease mechanism: loss of function.
Hereditary cancer-predisposing syndrome. Also called: Neoplastic Syndromes, Hereditary; Tumor predisposition; Hereditary Cancer Syndrome; Hereditary neoplastic syndrome. Identifiers: Orphanet 140162, MedGen C0027672, MeSH D009386, MONDO:0015356.

Submissions (7):

Evidence-based Network for the Interpretation of Germline Mutant Alleles (ENIGMA)
Classification: Pathogenic for Breast-ovarian cancer, familial, susceptibility to, 2. Last evaluated: 2016-09-08. Review status: reviewed by expert panel. Criteria: ENIGMA BRCA1/2 Classification Criteria (2015). Collection method: curation. Allele origin: germline.
Comment: Variant allele predicted to encode a truncated non-functional protein.

Labcorp Genetics (formerly Invitae), Labcorp
Classification: Pathogenic for Hereditary breast ovarian cancer syndrome. Last evaluated: 2025-12-30. Review status: criteria provided, single submitter. Criteria: Invitae Variant Classification Sherloc (09022015). Collection method: clinical testing. Allele origin: germline. Not counted in ClinVar's aggregate classification.
Comment: This sequence change creates a premature translational stop signal (p.Met1475Trpfs*4) in the BRCA2 gene. It is expected to result in an absent or disrupted protein product. Loss-of-function variants in BRCA2 are known to be pathogenic (PMID: 20104584). This variant is not present in population databases (gnomAD no frequency). This premature translational stop signal has been observed in individual(s) with breast and/or ovarian cancer (PMID: 32776218, 36367610). This variant is also known as 4420delA. ClinVar contains an entry for this variant (Variation ID: 51646). For these reasons, this variant has been classified as Pathogenic.

Clinical Genetics Laboratory, Skane University Hospital Lund
Classification: Pathogenic for Hereditary breast ovarian cancer syndrome. Last evaluated: 2025-03-13. Review status: criteria provided, single submitter. Criteria: ACMG Guidelines, 2015. Collection method: clinical testing. Allele origin: germline. Affected: yes. Not counted in ClinVar's aggregate classification.

Ambry Genetics
Classification: Pathogenic for Hereditary cancer-predisposing syndrome. Last evaluated: 2024-12-18. Review status: criteria provided, single submitter. Criteria: Ambry Variant Classification Scheme 2023. Collection method: clinical testing. Allele origin: germline. Not counted in ClinVar's aggregate classification.
Comment: The c.4423delA (p.M1475Wfs*4) alteration, located in exon 11 (coding exon 10) of the BRCA2 gene, consists of a deletion of one nucleotide at position 4423, causing a translational frameshift with a predicted alternate stop codon after 4 amino acids. This alteration is expected to result in loss of function by premature protein truncation or nonsense-mediated mRNA decay. This variant was not reported in population-based cohorts in the Genome Aggregation Database (gnomAD). Based on the available evidence, this alteration is classified as pathogenic.

Greenwood Genetic Center Diagnostic Laboratories, Greenwood Genetic Center
Classification: Pathogenic for BRCA2-related disorder. Last evaluated: 2024-08-14. Review status: criteria provided, single submitter. Criteria: ACMG Guidelines, 2015. Collection method: clinical testing. Allele origin: germline. Not counted in ClinVar's aggregate classification.
Comment: PVS1, PS4_Supporting, PM2

Breast Cancer Information Core (BIC) (BRCA2)
Classification: Pathogenic for Breast-ovarian cancer, familial 2. Review status: no assertion criteria provided. Collection method: clinical testing. Allele origin: germline. Affected: yes. Observed: 1 variant allele. Not counted in ClinVar's aggregate classification.

Department of Pathology and Laboratory Medicine, Sinai Health System
Classification: Pathogenic. Review status: no assertion criteria provided. Collection method: clinical testing. Allele origin: unknown. Affected: yes. Observed: 1 variant allele. Study: The Canadian Open Genetics Repository (COGR). Not counted in ClinVar's aggregate classification.
Comment: The p.Met1475TrpfsX4 deletion variant was not identified in the literature but was identified in dbSNP (ID: rs80359447) â€šÃ„ÃºWith pathogenic alleleâ€šÃ„Ã¹ and in the BIC database (1 time with clinical importance). It was not identified in the 1000 Genomes Project, Exome Variant Server ESP Project, HGMD, UMD, LOVD or COSMIC. It is predicted to cause a frameshift, which alters the protein's amino acid sequence beginning at codon 1475 and leads to a premature stop codon 4 codons downstream. This alteration is then predicted to result in a truncated or absent protein and loss of function. Loss of function germline variants of the BRCA2 gene are an established mechanism of hereditary breast and ovarian cancer. In summary, based on the above information, this variant is classified as pathogenic.

Literature cited by the submitters: PubMed 20104584 (cited by Labcorp Genetics (formerly Invitae), Labcorp); PubMed 32776218 (cited by Labcorp Genetics (formerly Invitae), Labcorp); PubMed 36367610 (cited by Labcorp Genetics (formerly Invitae), Labcorp and Ambry Genetics).